The following is an entry in ClinVar:

ClinVar aggregate classification (germline): Uncertain significance. Review status: criteria provided, multiple submitters, no conflicts (2 of 4 stars). 2 submissions from 2 submitters: Uncertain significance (2). Last evaluated 2025-10-14.

Conditions:
Familial Mediterranean fever (FMF). Also called: POLYSEROSITIS, FAMILIAL PAROXYSMAL; POLYSEROSITIS, RECURRENT; Periodic peritonitis; Benign paroxysmal peritonitis. Identifiers: Orphanet 342, MedGen C0031069, MONDO:0018088, OMIM 249100. Disease mechanism: gain of function.
Inborn genetic diseases. Identifiers: MedGen C0950123, MeSH D030342.

Allele frequency attached by ClinVar (database versions not stated): gnomAD 0.00001; TOPMed 0.00001.
gnomAD v4.1: 4 of 1,613,812 alleles (0.00025%); highest among the groups gnomAD compares: Non-Finnish European, 0.00034%; no homozygotes.

Submissions (2):

Ambry Genetics
Classification: Uncertain significance for Inborn genetic diseases. Last evaluated: 2025-10-14. Review status: criteria provided, single submitter. Criteria: Ambry Variant Classification Scheme 2023. Collection method: clinical testing. Allele origin: germline.

Labcorp Genetics (formerly Invitae), Labcorp
Classification: Uncertain significance for Familial Mediterranean fever. Last evaluated: 2022-07-07. Review status: criteria provided, single submitter. Criteria: Invitae Variant Classification Sherloc (09022015). Collection method: clinical testing. Allele origin: germline.
Comment: In summary, the available evidence is currently insufficient to determine the role of this variant in disease. Therefore, it has been classified as a Variant of Uncertain Significance. Algorithms developed to predict the effect of missense changes on protein structure and function are either unavailable or do not agree on the potential impact of this missense change (SIFT: "Tolerated"; PolyPhen-2: "Probably Damaging"; Align-GVGD: "Class C0"). This variant has not been reported in the literature in individuals affected with MEFV-related conditions. This variant is not present in population databases (gnomAD no frequency). This sequence change replaces glutamic acid, which is acidic and polar, with aspartic acid, which is acidic and polar, at codon 84 of the MEFV protein (p.Glu84Asp).

NM_000243.3(MEFV):c.252G>C (p.Glu84Asp)

Gene: MEFV (MEFV innate immunity regulator, pyrin; minus strand). Cytogenetic location: 16p13.3.
Variant type: single nucleotide variant.
Coding change: c.252G>C on transcript NM_000243.3 (MANE Select); coding-DNA position 252, G replaced by C.
Protein change: p.Glu84Asp; replaces glutamic acid 84 with aspartic acid.
Molecular consequence: missense variant.
Genome position (GRCh38, 1-based): chr16:3,256,336, C>G on the plus strand (G>C on the coding strand, the complement: MEFV is on the minus strand). VCF-style: chr16-3256336-C-G. GRCh37 (hg19) VCF-style: chr16-3306336-C-G.
Other names: c.252G>C, p.Glu84Asp (NM_001198536.2); short protein forms E84D.
Identifiers: ClinVar variation 2182636 (VCV002182636.3), dbSNP rs1346006078, ClinGen allele CA394483481.